The following is an entry in ClinVar:

NM_001170629.2(CHD8):c.6823G>A (p.Val2275Ile)

Genes: CHD8 (chromodomain helicase DNA binding protein 8; minus strand), LOC126861888 (CDK7 strongly-dependent group 2 enhancer GRCh37_chr14:21859227-21860426; plus strand). Cytogenetic location: 14q11.2.
Variant type: single nucleotide variant.
Coding change: c.6823G>A on transcript NM_001170629.2 (MANE Select); coding-DNA position 6823, G replaced by A.
Protein change: p.Val2275Ile; replaces valine 2275 with isoleucine.
Molecular consequence: missense variant.
Genome position (GRCh38, 1-based): chr14:21,391,895, C>T on the plus strand (G>A on the coding strand, the complement: CHD8 is on the minus strand). VCF-style: chr14-21391895-C-T. GRCh37 (hg19) VCF-style: chr14-21860054-C-T.
Other names: c.5986G>A, p.Val1996Ile (NM_020920.4); short protein forms V1996I, V2275I.
Identifiers: ClinVar variation 4990958 (VCV004990958.1).

ClinVar aggregate classification (germline): Uncertain significance (1 of 4 stars; one submission).

Conditions:
CHD8-related disorder. Also called: CHD8-related disorders; CHD8-related condition.

Submission:

PreventionGenetics, part of Exact Sciences
Classification: Uncertain significance for CHD8-related condition. Last evaluated: 2026-04-28. Review status: criteria provided, single submitter. Criteria: ACMG Guidelines, 2015. Collection method: clinical testing. Allele origin: germline.
Comment: The CHD8 c.6823G>A variant is predicted to result in the amino acid substitution p.Val2275Ile. To our knowledge, this variant has not been reported in the literature or in a large population database (gnomAD), indicating this variant is rare. At this time, the clinical significance of this variant is uncertain due to the absence of conclusive functional and genetic evidence.